The following is an entry in ClinVar:

NM_005609.4(PYGM):c.1885G>T (p.Asp629Tyr)

Gene: PYGM (glycogen phosphorylase, muscle associated; minus strand). Cytogenetic location: 11q13.1.
Variant type: single nucleotide variant.
Coding change: c.1885G>T on transcript NM_005609.4 (MANE Select); coding-DNA position 1885, G replaced by T.
Protein change: p.Asp629Tyr; replaces aspartic acid 629 with tyrosine.
Molecular consequence: missense variant.
Genome position (GRCh38, 1-based): chr11:64,751,409, C>A on the plus strand (G>T on the coding strand, the complement: PYGM is on the minus strand). VCF-style: chr11-64751409-C-A. GRCh37 (hg19) VCF-style: chr11-64518881-C-A.
Other names: c.1621G>T, p.Asp541Tyr (NM_001164716.1); short protein forms D541Y, D629Y.
Identifiers: ClinVar variation 1179912 (VCV001179912.15), dbSNP rs137986928, ClinGen allele CA6079684.

ClinVar aggregate classification (germline): Uncertain significance. Review status: criteria provided, multiple submitters, no conflicts (2 of 4 stars). 6 submissions from 6 submitters: Uncertain significance (5). 1 of the submissions does not count toward it. Last evaluated 2025-09-10.

Conditions:
Glycogen storage disease, type V (GSD5). Also called: McArdle type glycogen storage disease; MCARDLE DISEASE; MUSCLE GLYCOGEN PHOSPHORYLASE DEFICIENCY; MYOPHOSPHORYLASE DEFICIENCY; PYGM DEFICIENCY. Identifiers: Orphanet 368, MedGen C0017924, MONDO:0009293, OMIM 232600.

Allele frequency attached by ClinVar (database versions not stated): ExAC 0.00022; gnomAD exomes 0.00024; gnomAD 0.00032 and 0.00033; TOPMed 0.00036; ESP Exome Variant Server 0.00046; 1000 Genomes Project 30x 0.00078; 1000 Genomes Project 0.00080.

Submissions (6):

Genomic Medicine Center of Excellence, King Faisal Specialist Hospital and Research Centre
Classification: Uncertain significance for Glycogen storage disease, type V. Last evaluated: 2025-09-10. Review status: criteria provided, single submitter. Criteria: ACMG Guidelines, 2015. Collection method: clinical testing. Allele origin: germline.

Revvity Omics, Revvity
Classification: Uncertain significance for Glycogen storage disease, type V. Last evaluated: 2025-01-31. Review status: criteria provided, single submitter. Criteria: ACMG Guidelines, 2015. Collection method: clinical testing. Allele origin: germline.

Labcorp Genetics (formerly Invitae), Labcorp
Classification: Uncertain significance for Glycogen storage disease, type V. Last evaluated: 2025-01-05. Review status: criteria provided, single submitter. Criteria: Invitae Variant Classification Sherloc (09022015). Collection method: clinical testing. Allele origin: germline.
Comment: This sequence change replaces aspartic acid, which is acidic and polar, with tyrosine, which is neutral and polar, at codon 629 of the PYGM protein (p.Asp629Tyr). This variant is present in population databases (rs137986928, gnomAD 0.1%). This variant has not been reported in the literature in individuals affected with PYGM-related conditions. ClinVar contains an entry for this variant (Variation ID: 1179912). Invitae Evidence Modeling of protein sequence and biophysical properties (such as structural, functional, and spatial information, amino acid conservation, physicochemical variation, residue mobility, and thermodynamic stability) indicates that this missense variant is not expected to disrupt PYGM protein function with a negative predictive value of 80%. In summary, the available evidence is currently insufficient to determine the role of this variant in disease. Therefore, it has been classified as a Variant of Uncertain Significance.

Blueprint Genetics
Classification: Uncertain significance. Last evaluated: 2024-08-09. Review status: criteria provided, single submitter. Criteria: ACMG Guidelines, 2015. Collection method: clinical testing. Allele origin: germline.

GeneDx
Classification: Uncertain significance. Last evaluated: 2022-07-26. Review status: criteria provided, single submitter. Criteria: GeneDx Variant Classification Process June 2021. Collection method: clinical testing. Allele origin: germline. Affected: yes.
Comment: In silico analysis supports that this missense variant has a deleterious effect on protein structure/function; Has not been previously published as pathogenic or benign to our knowledge; This variant is associated with the following publications: (PMID: 25741863)

Natera, Inc.
Classification: Uncertain significance for Glycogen storage disease V. Last evaluated: 2020-02-05. Review status: no assertion criteria provided. Collection method: clinical testing. Allele origin: germline. Not counted in ClinVar's aggregate classification.